The following is an entry in ClinVar:

ClinVar aggregate classification (germline): Uncertain significance. Review status: criteria provided, single submitter (1 of 4 stars). 3 submissions from 3 submitters: Uncertain significance (1). 2 of the submissions do not count toward it. Last evaluated 2026-01-12.

Conditions:
Usher syndrome type 2A. Also called: USHER SYNDROME, TYPE IIA; RETINAL DISEASE IN USHER SYNDROME TYPE IIA, MODIFIER OF. Identifiers: Orphanet 231178, Orphanet 886, MedGen C1848634, MONDO:0010169, OMIM 276901.
USH2A-related disorder. Also called: USH2A-related disorders; USH2A-related condition. Identifiers: MedGen CN239332.

Allele frequency attached by ClinVar (database versions not stated): gnomAD exomes below 0.00001.
gnomAD v4.1: 1 of 1,611,906 alleles (0.000062%); highest among the groups gnomAD compares: Admixed American, 0.0017%; no homozygotes.

Submissions (3):

Labcorp Genetics (formerly Invitae), Labcorp
Classification: Uncertain significance. Last evaluated: 2026-01-12. Review status: criteria provided, single submitter. Criteria: Invitae Variant Classification Sherloc (09022015). Collection method: clinical testing. Allele origin: germline.
Comment: This sequence change replaces phenylalanine, which is neutral and non-polar, with valine, which is neutral and non-polar, at codon 1724 of the USH2A protein (p.Phe1724Val). This variant is present in population databases (no rsID available, gnomAD 0.003%). This variant has not been reported in the literature in individuals affected with USH2A-related conditions. ClinVar contains an entry for this variant (Variation ID: 999626). An algorithm developed to predict the effect of missense changes on protein structure and function (PolyPhen-2) suggests that this variant is likely to be disruptive. In summary, the available evidence is currently insufficient to determine the role of this variant in disease. Therefore, it has been classified as a Variant of Uncertain Significance.

PreventionGenetics, part of Exact Sciences
Classification: Uncertain significance for USH2A-related condition. Last evaluated: 2024-09-04. Review status: no assertion criteria provided. Collection method: clinical testing. Allele origin: germline. Not counted in ClinVar's aggregate classification.
Comment: The USH2A c.5170T>G variant is predicted to result in the amino acid substitution p.Phe1724Val. To our knowledge, this variant has not been reported in the literature. This variant is reported in 0.0029% of alleles in individuals of Latino descent in gnomAD. At this time, the clinical significance of this variant is uncertain due to the absence of conclusive functional and genetic evidence.

Natera, Inc.
Classification: Uncertain significance for Usher syndrome type 2A. Last evaluated: 2021-07-27. Review status: no assertion criteria provided. Collection method: clinical testing. Allele origin: germline. Not counted in ClinVar's aggregate classification.

NM_206933.4(USH2A):c.5170T>G (p.Phe1724Val)

Genes: USH2A (usherin; minus strand), USH2A-AS2 (USH2A antisense RNA 2; plus strand). Cytogenetic location: 1q41.
Variant type: single nucleotide variant.
Coding change: c.5170T>G on transcript NM_206933.4 (MANE Select); coding-DNA position 5170, T replaced by G.
Protein change: p.Phe1724Val; replaces phenylalanine 1724 with valine.
Molecular consequence: missense variant.
Genome position (GRCh38, 1-based): chr1:216,083,584, A>C on the plus strand (T>G on the coding strand, the complement: USH2A is on the minus strand). VCF-style: chr1-216083584-A-C. GRCh37 (hg19) VCF-style: chr1-216256926-A-C.
Other names: c.5170T>G (NM_206933.2); short protein forms F1724V.
Identifiers: ClinVar variation 999626 (VCV000999626.10), dbSNP rs1381827718, ClinGen allele CA344858321.
Genomic context (GRCh38, chr1:216,083,584, plus strand): 5'-ACTTAAAGGAAATCTCAAAGTTCATTCCACCATGAAACATATATGGATGAAGTTCCAGGA[A>C]CCCTTTAAAGATAAAAATATGTACATATTAGCATGTGTAACACAATATTGCCAGCATTGT-3'
Protein context (NP_996816.3, residues 1714-1734): NEGAQFLGAG[Phe1724Val]LELHPYMFHG